The following is an entry in ClinVar:

ClinVar aggregate classification (germline): Conflicting classifications of pathogenicity. Review status: criteria provided, conflicting classifications (1 of 4 stars). 7 submissions from 7 submitters: Uncertain significance (5); Benign (1). 1 of the submissions does not count toward it. Last evaluated 2025-12-23.

Conditions:
Nemaline myopathy 2 (NEM2). Also called: Nemaline myopathy 2, autosomal recessive. Identifiers: MedGen C1850569, MONDO:0009725, OMIM 256030.
Arthrogryposis multiplex congenita 6. Identifiers: MedGen C5543431, MONDO:0030281, OMIM 619334.

Allele frequency attached by ClinVar (database versions not stated): ESP Exome Variant Server 0.00008; gnomAD exomes 0.00008 and 0.00013; TOPMed 0.00011; ExAC 0.00012; gnomAD 0.00015.
gnomAD v4.1: 136 of 1,611,290 alleles (0.0084%); highest among the groups gnomAD compares: Middle Eastern, 0.066%; no homozygotes.

Submissions (7):

Labcorp Genetics (formerly Invitae), Labcorp
Classification: Benign for Nemaline myopathy 2. Last evaluated: 2025-12-23. Review status: criteria provided, single submitter. Criteria: Invitae Variant Classification Sherloc (09022015). Collection method: clinical testing. Allele origin: germline.

Revvity Omics, Revvity
Classification: Uncertain significance. Last evaluated: 2023-03-29. Review status: criteria provided, single submitter. Criteria: ACMG Guidelines, 2015. Collection method: clinical testing. Allele origin: germline.

Department of Pathology and Laboratory Medicine, Sinai Health System
Classification: Uncertain significance for Arthrogryposis multiplex congenita 6; Nemaline myopathy 2. Last evaluated: 2022-11-08. Review status: criteria provided, single submitter. Criteria: ACMG Guidelines, 2015. Collection method: research. Allele origin: germline.

Fulgent Genetics
Classification: Uncertain significance for Nemaline myopathy 2; Arthrogryposis multiplex congenita 6. Last evaluated: 2021-07-10. Review status: criteria provided, single submitter. Criteria: ACMG Guidelines, 2015. Collection method: clinical testing. Allele origin: unknown.

GeneDx
Classification: Uncertain significance. Last evaluated: 2019-06-24. Review status: criteria provided, single submitter. Criteria: GeneDx Variant Classification Process June 2021. Collection method: clinical testing. Allele origin: germline. Affected: yes.
Comment: Observed with a second variant on the opposite allele (in trans) in a proband with prenatal arthrogryposis, plagiocephaly, and club feet and postnatal generalized muscle weakness and mildly elevated creatine phosphokinase (CPK); the authors interpreted both variants as being of uncertain significance (Aarabi et al., 2018); In silico analysis, which includes protein predictors and evolutionary conservation, supports that this variant does not alter protein structure/function; This variant is associated with the following publications: (PMID: 29392406, 32403337)

Illumina Laboratory Services, Illumina
Classification: Uncertain significance for Nemaline myopathy 2. Last evaluated: 2018-01-12. Review status: criteria provided, single submitter. Criteria: ICSL Variant Classification Criteria 13 December 2019. Collection method: clinical testing. Allele origin: germline.

Natera, Inc.
Classification: Uncertain significance for Nemaline myopathy type 2. Last evaluated: 2020-09-16. Review status: no assertion criteria provided. Collection method: clinical testing. Allele origin: germline. Not counted in ClinVar's aggregate classification.

NM_001164508.2(NEB):c.10583G>A (p.Arg3528His)

Gene: NEB (nebulin; minus strand). Cytogenetic location: 2q23.3.
Variant type: single nucleotide variant.
Coding change: c.10583G>A on transcript NM_001164508.2 (MANE Select); coding-DNA position 10583, G replaced by A.
Protein change: p.Arg3528His; replaces arginine 3528 with histidine.
Molecular consequence: missense variant.
Genome position (GRCh38, 1-based): chr2:151,619,740, C>T on the plus strand (G>A on the coding strand, the complement: NEB is on the minus strand). VCF-style: chr2-151619740-C-T. GRCh37 (hg19) VCF-style: chr2-152476254-C-T.
Other names: c.10583G>A, p.Arg3528His (NM_001164507.2, NM_001271208.2); c.9854G>A, p.Arg3285His (NM_004543.5); short protein forms R3285H, R3528H.
Identifiers: ClinVar variation 331480 (VCV000331480.19), dbSNP rs199584268, ClinGen allele CA1908984.